The following is an entry in ClinVar:

ClinVar aggregate classification (germline): Uncertain significance (1 of 4 stars; one submission).

Submission:

GeneDx
Classification: Uncertain significance. Last evaluated: 2023-07-27. Review status: criteria provided, single submitter. Criteria: GeneDx Variant Classification Process June 2021. Collection method: clinical testing. Allele origin: germline. Affected: yes.
Comment: Not observed at significant frequency in large population cohorts (gnomAD); In silico analysis supports that this missense variant has a deleterious effect on protein structure/function; Has not been previously published as pathogenic or benign to our knowledge

NM_024757.5(EHMT1):c.3689G>T (p.Arg1230Leu)

Gene: EHMT1 (euchromatic histone lysine methyltransferase 1; plus strand). Cytogenetic location: 9q34.3.
Variant type: single nucleotide variant.
Coding change: c.3689G>T on transcript NM_024757.5 (MANE Select); coding-DNA position 3689, G replaced by T.
Protein change: p.Arg1230Leu; replaces arginine 1230 with leucine.
Molecular consequence: missense variant.
Genome position (GRCh38, 1-based): chr9:137,834,497, G>T. VCF-style: chr9-137834497-G-T. GRCh37 (hg19) VCF-style: chr9-140728949-G-T.
Other names: c.3668G>T, p.Arg1223Leu (NM_001354263.2); short protein forms R1223L, R1230L.
Identifiers: ClinVar variation 3361109 (VCV003361109.1).
Genomic context (GRCh38, chr9:137,834,497, plus strand): 5'-TGCGCGTGTTCATGGCCCACCAGGACCTGCGGTTCCCCCGGATCGCCTTCTTCAGCACCC[G>T]CCTGATCGAGGCCGGCGAGCAGCTCGGGTACGCACCGCCCCGGCCCCTGGCCATCTCCGC-3'
Protein context (NP_079033.4, residues 1220-1240): RFPRIAFFST[Arg1230Leu]LIEAGEQLGF